The following is an entry in ClinVar:

NM_001321120.2(TBX4):c.994del (p.Leu332fs)

Gene: TBX4 (T-box transcription factor 4; plus strand). Cytogenetic location: 17q23.2.
Variant type: Deletion.
Coding change: c.994del on transcript NM_001321120.2 (MANE Select); coding-DNA position 994, one base deleted (C; older notation c.994delC).
Protein change: p.Leu332fs; shifts the reading frame from leucine 332.
Molecular consequence: frameshift variant.
Genome position (GRCh38, 1-based): chr17:61,480,292, C deleted; the last of 2 consecutive C bases (chr17:61,480,291-61,480,292); deleting either gives the same sequence. VCF-style (leftmost placement, unchanged base first): chr17-61480290-GC-G. GRCh37 (hg19) VCF-style: chr17-59557651-GC-G.
Other names: c.994del, p.Leu332fs (NM_018488.3); short protein forms L332fs.
Identifiers: ClinVar variation 1454188 (VCV001454188.6), dbSNP rs2143862827, ClinGen allele CA2573154448.

ClinVar aggregate classification (germline): Pathogenic (1 of 4 stars; one submission).

Submission:

Labcorp Genetics (formerly Invitae), Labcorp
Classification: Pathogenic. Last evaluated: 2021-10-26. Review status: criteria provided, single submitter. Criteria: Invitae Variant Classification Sherloc (09022015). Collection method: clinical testing. Allele origin: germline.
Comment: For these reasons, this variant has been classified as Pathogenic. This variant disrupts a region of the TBX4 protein in which other variant(s) (p.Arg526*) have been determined to be pathogenic (Invitae). This suggests that this is a clinically significant region of the protein, and that variants that disrupt it are likely to be disease-causing. This variant has not been reported in the literature in individuals affected with TBX4-related conditions. This variant is not present in population databases (gnomAD no frequency). This sequence change creates a premature translational stop signal (p.Leu332Serfs*6) in the TBX4 gene. While this is not anticipated to result in nonsense mediated decay, it is expected to disrupt the last 214 amino acid(s) of the TBX4 protein.